The following is an entry in ClinVar:

ClinVar aggregate classification (germline): Uncertain significance (1 of 4 stars; one submission).

Conditions:
Duchenne muscular dystrophy (DMD). Also called: MUSCULAR DYSTROPHY, PSEUDOHYPERTROPHIC PROGRESSIVE, DUCHENNE TYPE; Duchenne Muscular Dystrophy (DMD). Identifiers: Orphanet 98896, MedGen C0013264, MONDO:0010679, OMIM 310200.

Allele frequency attached by ClinVar (database versions not stated): gnomAD exomes below 0.00001; gnomAD 0.00001.
gnomAD v4.1: 3 of 1,209,286 alleles (0.00025%); highest among the groups gnomAD compares: Admixed American, 0.0066%; no homozygotes.

Submission:

Labcorp Genetics (formerly Invitae), Labcorp
Classification: Uncertain significance for Duchenne muscular dystrophy. Last evaluated: 2024-05-08. Review status: criteria provided, single submitter. Criteria: Invitae Variant Classification Sherloc (09022015). Collection method: clinical testing. Allele origin: germline.
Comment: This sequence change replaces glutamic acid, which is acidic and polar, with valine, which is neutral and non-polar, at codon 761 of the DMD protein (p.Glu761Val). This variant is present in population databases (no rsID available, gnomAD 0.01%). This variant has not been reported in the literature in individuals affected with DMD-related conditions. Advanced modeling of protein sequence and biophysical properties (such as structural, functional, and spatial information, amino acid conservation, physicochemical variation, residue mobility, and thermodynamic stability) performed at Invitae indicates that this missense variant is not expected to disrupt DMD protein function with a negative predictive value of 95%. In summary, the available evidence is currently insufficient to determine the role of this variant in disease. Therefore, it has been classified as a Variant of Uncertain Significance.

NM_004006.3(DMD):c.2282A>T (p.Glu761Val)

Gene: DMD (dystrophin; minus strand). Cytogenetic location: Xp21.1.
Variant type: single nucleotide variant.
Coding change: c.2282A>T on transcript NM_004006.3 (MANE Select); coding-DNA position 2282, A replaced by T.
Protein change: p.Glu761Val; replaces glutamic acid 761 with valine.
Molecular consequence: missense variant.
Genome position (GRCh38, 1-based): chrX:32,518,018, T>A on the plus strand (A>T on the coding strand, the complement: DMD is on the minus strand). VCF-style: chrX-32518018-T-A. GRCh37 (hg19) VCF-style: chrX-32536135-T-A.
Other names: c.2258A>T, p.Glu753Val (NM_000109.4); c.2270A>T, p.Glu757Val (NM_004009.3); c.1913A>T, p.Glu638Val (NM_004010.3); short protein forms E757V, E638V, E761V, E753V.
Identifiers: ClinVar variation 2733427 (VCV002733427.3), dbSNP rs1254448592, ClinGen allele CA412663651.